The following is an entry in ClinVar:

NM_007194.4(CHEK2):c.276C>G (p.Pro92=)

Gene: CHEK2 (checkpoint kinase 2; minus strand). Cytogenetic location: 22q12.1.
Variant type: single nucleotide variant.
Coding change: c.276C>G on transcript NM_007194.4 (MANE Select); coding-DNA position 276, C replaced by G.
Protein change: p.Pro92=; no amino-acid change (proline 92 retained).
Molecular consequence: synonymous variant.
Genome position (GRCh38, 1-based): chr22:28,734,446, G>C on the plus strand (C>G on the coding strand, the complement: CHEK2 is on the minus strand). VCF-style: chr22-28734446-G-C. GRCh37 (hg19) VCF-style: chr22-29130434-G-C.
Other names: c.276C>G, p.Pro92= (NM_001005735.3, NM_001349956.3, NM_145862.3); c.-502C>G (NM_001257387.3).
Identifiers: ClinVar variation 919476 (VCV000919476.17), dbSNP rs1478388236, ClinGen allele CA513946436.

ClinVar aggregate classification (germline): Benign/Likely benign. Review status: criteria provided, multiple submitters, no conflicts (2 of 4 stars). 6 submissions from 6 submitters: Benign (1); Likely benign (4). 1 of the submissions does not count toward it. Last evaluated 2024-10-02.

Conditions:
Hereditary cancer-predisposing syndrome. Also called: Neoplastic Syndromes, Hereditary; Tumor predisposition; Hereditary neoplastic syndrome; Hereditary Cancer Syndrome. Identifiers: Orphanet 140162, MedGen C0027672, MeSH D009386, MONDO:0015356.
Familial prostate cancer. Also called: Hereditary Prostate Cancer. Identifiers: MedGen C2931456, MONDO:0700275, OMIM 176807.
CHEK2-related disorder.
Familial cancer of breast. Also called: hereditary breast carcinoma; BREAST CANCER, FAMILIAL; Hereditary breast cancer. Identifiers: Orphanet 227535, MedGen C0346153, MONDO:0016419, OMIM 114480. Disease mechanism: loss of function.

Allele frequency attached by ClinVar (database versions not stated): TOPMed 0.00001.

Submissions (6):

Myriad Genetics, Inc.
Classification: Benign for Familial cancer of breast. Last evaluated: 2024-10-02. Review status: criteria provided, single submitter. Criteria: Myriad Autosomal Dominant, Autosomal Recessive and X-Linked Classification Criteria (2023). Collection method: clinical testing. Allele origin: unknown.
Comment: This variant is considered benign. This variant is a silent/synonymous amino acid change and it is not expected to impact splicing.

Labcorp Genetics (formerly Invitae), Labcorp
Classification: Likely benign for Familial cancer of breast. Last evaluated: 2023-11-17. Review status: criteria provided, single submitter. Criteria: Invitae Variant Classification Sherloc (09022015). Collection method: clinical testing. Allele origin: germline.

Ambry Genetics
Classification: Likely benign for Hereditary cancer-predisposing syndrome. Last evaluated: 2023-02-23. Review status: criteria provided, single submitter. Criteria: Ambry Variant Classification Scheme 2023. Collection method: clinical testing. Allele origin: germline.

Department of Pathology and Laboratory Medicine, Sinai Health System
Classification: Likely benign for Familial prostate cancer. Last evaluated: 2021-08-16. Review status: criteria provided, single submitter. Criteria: ACMG Guidelines, 2015. Collection method: clinical testing. Allele origin: germline. Affected: yes.

Color Diagnostics, LLC DBA Color Health
Classification: Likely benign for Hereditary cancer-predisposing syndrome. Last evaluated: 2018-11-05. Review status: criteria provided, single submitter. Criteria: ACMG Guidelines, 2015. Collection method: clinical testing. Allele origin: germline.

PreventionGenetics, part of Exact Sciences
Classification: Likely benign for CHEK2-related condition. Last evaluated: 2019-06-25. Review status: no assertion criteria provided. Collection method: clinical testing. Allele origin: germline. Not counted in ClinVar's aggregate classification.
Comment: This variant is classified as likely benign based on ACMG/AMP sequence variant interpretation guidelines (Richards et al. 2015 PMID: 25741868, with internal and published modifications).